The following is an entry in ClinVar:

ClinVar aggregate classification (germline): Pathogenic (1 of 4 stars; one submission).

Conditions:
Aortic aneurysm, familial thoracic 7 (AAT7). Also called: AORTIC DISSECTION, FAMILIAL, WITH OR WITHOUT AORTIC ANEURYSM. Identifiers: MedGen C3151077, MONDO:0013418, OMIM 613780.

Submission:

Labcorp Genetics (formerly Invitae), Labcorp
Classification: Pathogenic for Aortic aneurysm, familial thoracic 7. Last evaluated: 2022-03-18. Review status: criteria provided, single submitter. Criteria: Invitae Variant Classification Sherloc (09022015). Collection method: clinical testing. Allele origin: germline.
Comment: For these reasons, this variant has been classified as Pathogenic. This variant has not been reported in the literature in individuals affected with MYLK-related conditions. This variant is not present in population databases (gnomAD no frequency). This sequence change creates a premature translational stop signal (p.Cys1077*) in the MYLK gene. This variant occurs within the aortic-specific isoform of MYLK. Loss-of-function variants in the aortic-specific isoform of MYLK are known to be pathogenic for thoracic aortic dissections (PMID: 21055718).

Literature cited by the submitters: PubMed 21055718.

NM_053025.4(MYLK):c.3231C>A (p.Cys1077Ter)

Gene: MYLK (myosin light chain kinase; minus strand). Cytogenetic location: 3q21.1.
Variant type: single nucleotide variant.
Coding change: c.3231C>A on transcript NM_053025.4 (MANE Select); coding-DNA position 3231, C replaced by A.
Protein change: p.Cys1077Ter; replaces cysteine 1077 with a stop codon.
Molecular consequence: nonsense.
Genome position (GRCh38, 1-based): chr3:123,700,237, G>T on the plus strand (C>A on the coding strand, the complement: MYLK is on the minus strand). VCF-style: chr3-123700237-G-T. GRCh37 (hg19) VCF-style: chr3-123419084-G-T.
Other names: c.2703C>A, p.Cys901Ter (NM_001321309.2); c.3024C>A, p.Cys1008Ter (NM_053026.4, NM_053028.4); c.3231C>A, p.Cys1077Ter (NM_053027.4); short protein forms C901*, C1008*, C1077*.
Identifiers: ClinVar variation 1451428 (VCV001451428.6), dbSNP rs2108578389, ClinGen allele CA354229775.